The following continues an entry in ClinVar:

NM_001042492.3(NF1):c.499_502del (p.Cys167fs)

Gene: NF1. ClinVar aggregate classification (germline): Pathogenic. Pathogenic (28). ClinVar aggregate classification (somatic clinical impact): Tier I - Strong.

Submissions 11 to 30 of 33:

Institute for Genomic Medicine (IGM) Clinical Laboratory, Nationwide Children's Hospital
Classification: Pathogenic for Neurofibromatosis, type 1. Last evaluated: 2023-11-28. Review status: criteria provided, single submitter. Criteria: ACMG Guidelines, 2015. Collection method: clinical testing. Allele origin: germline.
Comment: This variant is predicted to result in loss of function through nonsense-mediated decay of the encoded transcript or premature truncation of the encoded protein in a gene in which loss of function is a known mechanism of disease (ACMG/AMP: PVS1; PMIDs:10712197, 23913538). This variant has been reported at an elevated frequency in affected individuals/in multiple affected individuals in the literature (ACMG/AMP: PS4; PMIDs:10543400, 24294391, 10726756, 24676424, 24789688, 31370276). This variant is absent from or present at an exceedingly low frequency in gnomAD, a large-scale control population database (ACMG/AMP: PM2).

Mayo Clinic Laboratories, Mayo Clinic
Classification: Pathogenic. Last evaluated: 2023-09-05. Review status: criteria provided, single submitter. Criteria: ACMG Guidelines, 2015. Collection method: clinical testing. Allele origin: germline. Observed: 19 variant alleles.
Comment: PP4, PM2_moderate, PM6, PVS1

Institute for Genomic Medicine (IGM) Clinical Laboratory, Nationwide Children's Hospital
Classification: Tier I - Strong for Embryonal rhabdomyosarcoma. Assertion type: diagnostic. Clinical significance: supports diagnosis. Last evaluated: 2022-11-22. Review status: criteria provided, single submitter. Criteria: AMP/ASCO/CAP Guidelines, 2017. Collection method: clinical testing. Allele origin: somatic. Affected: yes.
Comment: Variant has Tier I (strong) clinical significance as a diagnostic inclusion criterion in embryonal rhabdomyosarcoma, based on the following evidence: 1) Documented in one or more cancer databases (e.g., St. Jude Pecan, COSMIC, CIViC, OncoKB). 2) Appears in one or more well-established professional guidelines (e.g., World Health Organization [WHO]; National Comprehensive Cancer Network [NCCN]) as providing diagnostic, prognostic, or therapeutic information. 3) Information in the literature supports potential biologic effect of variant. 4) Diagnostic for a specific tumor type/classification based on well-powered studies with expert-level consensus (Evidence Level B; PMIDs: 34166060, 24436047, 26138366, 21412928).

MGZ Medical Genetics Center
Classification: Pathogenic for Neurofibromatosis, type 1. Last evaluated: 2022-07-27. Review status: criteria provided, single submitter. Criteria: ACMG Guidelines, 2015. Collection method: clinical testing. Allele origin: germline. Affected: yes. Observed: 1 variant allele.
Comment: ACMG criteria applied: PVS1, PS4_MOD, PM2_SUP

Genome-Nilou Lab
Classification: Pathogenic for Neurofibromatosis, type 1. Last evaluated: 2022-03-15. Review status: criteria provided, single submitter. Criteria: ACMG Guidelines, 2015. Collection method: clinical testing. Allele origin: germline. Affected: no.

GeneDx
Classification: Pathogenic. Last evaluated: 2022-02-15. Review status: criteria provided, single submitter. Criteria: GeneDx Variant Classification Process June 2021. Collection method: clinical testing. Allele origin: germline. Affected: yes.
Comment: Frameshift variant predicted to result in protein truncation or nonsense mediated decay in a gene for which loss-of-function is a known mechanism of disease; Also known as c.495delTGTT; This variant is associated with the following publications: (PMID: 18546366, 17726231, 17311297, 31533797, 24294391, 22155606, 12807981, 18041031, 10543400, 24676424, 20844836, 23913538, 30293248, 30530636, 28191890, 16835897, 24789688, 27838393, 28152038, 31730495, 30098238, 31370276, 34246755, 31066482)

Ambry Genetics
Classification: Pathogenic for Cardiovascular phenotype; Hereditary cancer-predisposing syndrome. Last evaluated: 2021-09-15. Review status: criteria provided, single submitter. Criteria: Ambry General Variant Classification Scheme_2022. Collection method: clinical testing. Allele origin: germline. Observed: 1 variant allele.
Comment: The c.499_502delTGTT variant, located in coding exon 5 of the NF1 gene, results from a deletion of 4 nucleotides at nucleotide positions 499 to 502, causing a translational frameshift with a predicted alternate stop codon (p.C167Qfs*10). This mutation has been observed in multiple patients with sporadic or familial NF1 (Osborn MJ and Upadhyaya M. Hum. Genet. 1999 Oct;105:327-32; Toliat MR et al. Electrophoresis. 2000 Feb;21:541-4; Ars E et al. J. Med. Genet. 2003 Jun;40:e82; Schaefer IM et al. Int J Clin Exp Pathol, 2013 Nov;6:3003-8; Uusitalo E et al. Acta Derm. Venereol., 2014 Nov;94:663-6; Xu W et al. Int. J. Mol. Med., 2014 Jul;34:53-60; Giugliano T et al. Genes (Basel) 2019 07;10(8)). Of note, this mutation is also designated as c.495delTGTT and c.495_498del in published literature. In addition to the clinical data presented in the literature, this alteration is expected to result in loss of function by premature protein truncation or nonsense-mediated mRNA decay. As such, this alteration is interpreted as a disease-causing mutation.

Greenwood Genetic Center Diagnostic Laboratories, Greenwood Genetic Center
Classification: Pathogenic. Last evaluated: 2021-01-26. Review status: criteria provided, single submitter. Criteria: ACMG Guidelines, 2015. Collection method: clinical testing. Allele origin: germline. Affected: yes.
Comment: PVS1, PM6_Strong, PM2

Dubai Health Genomic Medicine Center, Dubai Health
Classification: Pathogenic for Neurofibromatosis, type 1. Last evaluated: 2020-11-11. Review status: criteria provided, single submitter. Criteria: ACMG Guidelines, 2015. Collection method: clinical testing. Allele origin: germline. Affected: yes.
Comment: The p.Cys167fs variant in NF1 has been previously reported in multiple individuals with a clinical diagnosis of Neurofibromatosis Type 1 (PMIDs: 10543400, 24294391 31730495, 31066482). It was also identified in 1/251028 total alleles in the Genome Aggregation Database (gnomAD). This frameshift variant is predicted to alter the protein's amino acid sequence beginning at position 167 and lead to a premature termination codon 10 amino acids downstream. This alteration is then predicted to lead to a truncated or absent protein. Heterozygous loss of function of the NF1 gene is an established disease mechanism in NF1. In summary this variant meets our criteria for pathogenicity.

Genome Diagnostics Laboratory, The Hospital for Sick Children
Classification: Pathogenic for Neurofibromatosis, type 1. Last evaluated: 2020-10-26. Review status: criteria provided, single submitter. Criteria: ACMG Guidelines, 2015. Collection method: clinical testing. Allele origin: germline. Affected: yes.

Medical Genetics, University of Parma
Classification: Pathogenic for Neurofibromatosis, type 1. Last evaluated: 2019-12-20. Review status: criteria provided, single submitter. Criteria: ACMG Guidelines, 2015. Collection method: clinical testing. Allele origin: germline. Affected: yes.

Centre for Mendelian Genomics, University Medical Centre Ljubljana
Classification: Pathogenic for Neurofibromatosis, type 1. Last evaluated: 2019-12-05. Review status: criteria provided, single submitter. Criteria: ACMG Guidelines, 2015. Collection method: clinical testing. Allele origin: unknown. Affected: yes.
Comment: This variant was classified as: Pathogenic. The following ACMG criteria were applied in classifying this variant: PVS1,PS1.

Revvity Omics, Revvity
Classification: Pathogenic. Last evaluated: 2019-06-11. Review status: criteria provided, single submitter. Criteria: ACMG Guidelines, 2015. Collection method: clinical testing. Allele origin: germline.

The Laboratory of Genetics and Metabolism, Hunan Children’s Hospital
Classification: Pathogenic for Neurofibromatosis, type 1; Tibial pseudoarthrosis. Last evaluated: 2018-11-10. Review status: criteria provided, single submitter. Criteria: ACMG Guidelines, 2015. Collection method: research. Allele origin: de novo. Affected: yes. Observed: 1 variant allele.

Center for Human Genetics, Inc
Classification: Pathogenic for Neurofibromatosis, type 1. Last evaluated: 2016-11-01. Review status: criteria provided, single submitter. Criteria: ACMG Guidelines, 2015. Collection method: clinical testing. Allele origin: germline. Affected: yes.

Ambry Genetics
Classification: Pathogenic for Inborn genetic diseases. Last evaluated: 2014-06-06. Review status: criteria provided, single submitter. Criteria: Ambry exome assertion method (8-5-2015). Collection method: clinical testing. Allele origin: germline. Affected: yes. Observed: 1 variant allele.

Quest Diagnostics Nichols Institute San Juan Capistrano
Classification: Pathogenic. Last evaluated: 2013-01-08. Review status: criteria provided, single submitter. Criteria: Quest Diagnostics criteria. Collection method: clinical testing. Allele origin: unknown.
Comment: This frameshift variant alters the translational reading frame of the NF1 mRNA and causes the premature termination of NF1 protein synthesis. In the published literature, the variant has been reported in individuals/families with neurofibromatosis 1 (NF1) or with clinical suspicion of NF1 (PMID: 34427956 (2022), 30530636 (2019), 27838393 (2017), 23913538 (2013), 17311297 (2007), 12807981 (2003), 10726756 (2000), 10543400 (1999)). Based on the available information, this variant is classified as pathogenic.

Clinical Genetics Service, Universitary Hospital 12 de Octubre
Classification: Pathogenic for Neurofibromatosis, type 1. Review status: criteria provided, single submitter. Criteria: ACMG Guidelines, 2015. Collection method: clinical testing. Allele origin: germline. Affected: yes.

Juno Genomics, Hangzhou Juno Genomics, Inc
Classification: Pathogenic for Café-au-lait macules with pulmonary stenosis; Neurofibromatosis, type 1; Juvenile myelomonocytic leukemia; Neurofibromatosis, familial spinal; Neurofibromatosis-Noonan syndrome. Review status: criteria provided, single submitter. Criteria: ACMG Guidelines, 2015. Collection method: clinical testing. Allele origin: germline. Affected: yes.
Comment: Null variant in a gene where loss of function (LOF) is a known mechanism of disease.;Absent from controls (or at extremely low frequency if recessive) in Genome Aggregation Database, Exome Sequencing Project, 1000 Genomes Project, or Exome Aggregation Consortium.;The prevalence of the variant in affected individuals is significantly increased compared to the prevalence in controls.;Patient's phenotype or family history is highly specific for a disease with a single genetic etiology.

Clinical Laboratory Sciences Program (CLSP), King Saud bin Abdulaziz University for Health Sciences (KSAU-HS)
Classification: Pathogenic for Neurofibromatosis, type 1. Last evaluated: 2023-04-01. Review status: no assertion criteria provided. Collection method: clinical testing. Allele origin: germline. Affected: yes. Not counted in ClinVar's aggregate classification.